The following is an entry in ClinVar:

NM_022893.4(BCL11A):c.1933C>G (p.Pro645Ala)

Gene: BCL11A (BCL11 transcription factor A; minus strand). Cytogenetic location: 2p16.1.
Variant type: single nucleotide variant.
Coding change: c.1933C>G on transcript NM_022893.4 (MANE Select); coding-DNA position 1933, C replaced by G.
Protein change: p.Pro645Ala; replaces proline 645 with alanine.
Molecular consequence: missense variant. On other transcripts: intron variant (6).
Genome position (GRCh38, 1-based): chr2:60,460,979, G>C on the plus strand (C>G on the coding strand, the complement: BCL11A is on the minus strand). VCF-style: chr2-60460979-G-C. GRCh37 (hg19) VCF-style: chr2-60688114-G-C.
Other names: c.1831C>G, p.Pro611Ala (NM_001363864.1, NM_001365609.1, NM_001405711.1 and 2 more transcripts); c.1933C>G, p.Pro645Ala (NM_001405708.1, NM_001405709.1, NM_001405710.1 and 1 more transcripts); c.1777C>G, p.Pro593Ala (NM_001405713.1, NM_001405714.1, NM_001405715.1 and 3 more transcripts); c.1675C>G, p.Pro559Ala (NM_001405717.1, NM_001405718.1, NM_001405724.1); c.1600C>G, p.Pro534Ala (NM_001405720.1, NM_001405721.1); c.1477C>G, p.Pro493Ala (NM_001405725.1, NM_001405726.1, NM_001405727.1 and 1 more transcripts); c.1240C>G, p.Pro414Ala (NM_001405729.1); c.1396C>G, p.Pro466Ala (NM_001405730.1); and 5 more; short protein forms P314A, P414A, P466A, P493A, P534A, P559A, P593A, P611A.
Identifiers: ClinVar variation 3367405 (VCV003367405.1).
Genomic context (GRCh38, chr2:60,460,979, plus strand): 5'-CCGCGTAGCCGGCGAGCCACTGCGAGTACACGTTCTCCGTGTTGGGCATCGCGGCCGGGG[G>C]CAGGTCGAACTCCTTCTCGAGCTTGATGCGCTTAGAGAAGGGGCTCAGCGAGCTGGGGCT-3'
Protein context (NP_075044.2, residues 635-655): RIKLEKEFDL[Pro645Ala]PAAMPNTENV

ClinVar aggregate classification (germline): Uncertain significance (1 of 4 stars; one submission).

gnomAD v4.1: 1 of 1,609,930 alleles (0.000062%); highest among the groups gnomAD compares: Non-Finnish European, 0.000085%; no homozygotes.

Submission:

GeneDx
Classification: Uncertain significance. Last evaluated: 2024-01-04. Review status: criteria provided, single submitter. Criteria: GeneDx Variant Classification Process June 2021. Collection method: clinical testing. Allele origin: germline. Affected: yes.
Comment: Not observed at significant frequency in large population cohorts (gnomAD); In silico analysis supports that this missense variant has a deleterious effect on protein structure/function; Has not been previously published as pathogenic or benign to our knowledge